The following is an entry in ClinVar:

ClinVar aggregate classification (germline): Pathogenic/Likely pathogenic. Review status: criteria provided, multiple submitters, no conflicts (2 of 4 stars). 6 submissions from 6 submitters: Pathogenic (2); Likely pathogenic (3). 1 of the submissions does not count toward it. Last evaluated 2023-09-15.

Conditions:
Dihydropyrimidine dehydrogenase deficiency (DPYDD). Also called: DPD DEFICIENCY; DPYD DEFICIENCY; Hereditary Thymine-Uraciluria. Identifiers: Orphanet 1675, MedGen C1959620, MONDO:0010130, OMIM 274270.

Allele frequency attached by ClinVar (database versions not stated): ExAC 0.00001; gnomAD 0.00001; gnomAD exomes 0.00001; TOPMed 0.00001; 1000 Genomes Project 30x 0.00016; 1000 Genomes Project 0.00020.

Submissions (6):

GeneDx
Classification: Pathogenic. Last evaluated: 2023-09-15. Review status: criteria provided, single submitter. Criteria: GeneDx Variant Classification Process June 2021. Collection method: clinical testing. Allele origin: germline. Affected: yes.
Comment: Reported with a second DPYD variant in a patient with severe 5-fluorouracil toxicity (van Kuilenburg et al., 2003); Published functional studies demonstrate a damaging effect on DPD enzyme activity, reducing it to less than 12.5% activity relative to wild type DPD (Offer et al., 2014); Nonsense variant predicted to result in protein truncation or nonsense mediated decay in a gene for which loss of function is a known mechanism of disease; This variant is associated with the following publications: (PMID: 25525159, 25381393, 25502898, 24648345, 17121937, 33305610, 26621101, 21833589, 32707991, 34621706, 19287123, 23199091, 35314707, 12562666)

Genome-Nilou Lab
Classification: Likely pathogenic for Dihydropyrimidine dehydrogenase deficiency. Last evaluated: 2023-04-11. Review status: criteria provided, single submitter. Criteria: ACMG Guidelines, 2015. Collection method: clinical testing. Allele origin: germline. Affected: no.

Victorian Clinical Genetics Services, Murdoch Childrens Research Institute
Classification: Pathogenic for Dihydropyrimidine dehydrogenase deficiency. Last evaluated: 2022-02-02. Review status: criteria provided, single submitter. Criteria: ACMG Guidelines, 2015. Collection method: clinical testing. Allele origin: germline. Inheritance: Autosomal recessive inheritance. Affected: yes.
Comment: Based on the classification scheme VCGS_Germline_v1.3.4, this variant is classified as a Pathogenic. Following criteria are met: 0102 - Loss of function is a known mechanism of disease in this gene and is associated with dihydropyrimidine dehydrogenase deficiency and 5-fluorouracil toxicity (MIM#274270). (I) 0106 - This gene is associated with autosomal recessive disease. (I) 0115 - Variants in this gene are known to have variable expressivity (PMID: 11783493). (I) 0201 - Variant is predicted to cause nonsense-mediated decay (NMD) and loss of protein (premature termination codon is located at least 54 nucleotides upstream of the final exon-exon junction). (SP) 0252 - This variant is homozygous. (I) 0304 - Variant is present in gnomAD (v2) <0.01 for a recessive condition (3 heterozygotes, 0 homozygotes). (SP) 0701 - Other NMD-predicted variants comparable to the one identified in this case have very strong previous evidence for pathogenicity (ClinVar). (SP) 0803 - This variant has limited previous evidence of pathogenicity in unrelated individuals. It has been previously reported in patients with dihydropyrimidine dehydrogenase deficiency and 5-fluorouracil toxicity (ClinVar, PMID: 12562666). (SP) 0905 - No published segregation evidence has been identified for this variant. (I) 1002 - This variant has moderate functional evidence supporting abnormal protein function. Functional analysis shows that this variant resulted in an absence of detectable dihydropyrimidine dehydrogenase activity (PMID: 24648345). (SP) 1208 - Inheritance information for this variant is not currently available in this individual. (I) Legend: (SP) - Supporting pathogenic, (I) - Information, (SB) - Supporting benign

Fulgent Genetics
Classification: Likely pathogenic for Dihydropyrimidine dehydrogenase deficiency. Last evaluated: 2022-01-16. Review status: criteria provided, single submitter. Criteria: ACMG Guidelines, 2015. Collection method: clinical testing. Allele origin: unknown.

Juno Genomics, Hangzhou Juno Genomics, Inc
Classification: Likely pathogenic for Dihydropyrimidine dehydrogenase deficiency. Review status: criteria provided, single submitter. Criteria: ACMG Guidelines, 2015. Collection method: clinical testing. Allele origin: germline.
Comment: Null variant in a gene where loss of function (LOF) is a known mechanism of disease.;Absent from controls (or at extremely low frequency if recessive) in Genome Aggregation Database.

Counsyl
Classification: Likely pathogenic for Dihydropyrimidine dehydrogenase deficiency. Last evaluated: 2014-06-23. Review status: no assertion criteria provided. Collection method: literature only. Allele origin: unknown. Inheritance: Autosomal recessive inheritance. Not counted in ClinVar's aggregate classification.

Literature cited by the submitters: PubMed 11783493 (cited by Victorian Clinical Genetics Services, Murdoch Childrens Research Institute); PubMed 12562666 (cited by Victorian Clinical Genetics Services, Murdoch Childrens Research Institute and Counsyl); PubMed 24648345 (cited by Victorian Clinical Genetics Services, Murdoch Childrens Research Institute and Counsyl); PubMed 17121937 (cited by Counsyl).

NM_000110.4(DPYD):c.61C>T (p.Arg21Ter)

Gene: DPYD (dihydropyrimidine dehydrogenase; minus strand). Cytogenetic location: 1p21.3.
Variant type: single nucleotide variant.
Coding change: c.61C>T on transcript NM_000110.4 (MANE Select); coding-DNA position 61, C replaced by T.
Protein change: p.Arg21Ter; replaces arginine 21 with a stop codon.
Molecular consequence: nonsense.
Genome position (GRCh38, 1-based): chr1:97,883,353, G>A on the plus strand (C>T on the coding strand, the complement: DPYD is on the minus strand). VCF-style: chr1-97883353-G-A. GRCh37 (hg19) VCF-style: chr1-98348909-G-A.
Other names: c.61C>T, p.Arg21Ter (NM_001160301.1); short protein forms R21*.
Identifiers: ClinVar variation 188848 (VCV000188848.11), dbSNP rs72549310, ClinGen allele CA199079.